The following is an entry in ClinVar:

ClinVar aggregate classification (germline): Uncertain significance. Review status: criteria provided, multiple submitters, no conflicts (2 of 4 stars). 2 submissions from 2 submitters: Uncertain significance (2). Last evaluated 2024-03-07.

Conditions:
Hereditary breast ovarian cancer syndrome. Also called: Hereditary breast and ovarian cancer; Hereditary breast and ovarian cancer syndrome; Hereditary breast and/or ovarian cancer syndrome; BRCA1- and BRCA2-Associated Hereditary Breast and Ovarian Cancer; Hereditary breast and ovarian cancer syndrome (HBOC); Breast and ovarian cancer. Identifiers: Orphanet 145, MedGen C0677776, MeSH D061325, MONDO:0003582. Disease mechanism: loss of function.
Hereditary cancer-predisposing syndrome. Also called: Tumor predisposition; Hereditary neoplastic syndrome; Hereditary Cancer Syndrome; Neoplastic Syndromes, Hereditary. Identifiers: Orphanet 140162, MedGen C0027672, MeSH D009386, MONDO:0015356.

Submissions (2):

Color Diagnostics, LLC DBA Color Health
Classification: Uncertain significance for Hereditary cancer-predisposing syndrome. Last evaluated: 2024-03-07. Review status: criteria provided, single submitter. Criteria: ACMG Guidelines, 2015. Collection method: clinical testing. Allele origin: germline.
Comment: This missense variant replaces phenylalanine with serine at codon 3159 of the BRCA2 protein. Computational prediction suggests that this variant may have deleterious impact on protein structure and function (internally defined REVEL score threshold >= 0.7, PMID: 27666373). To our knowledge, functional studies have not been reported for this variant. This variant has not been reported in individuals affected with hereditary cancer in the literature. This variant has not been identified in the general population by the Genome Aggregation Database (gnomAD). The available evidence is insufficient to determine the role of this variant in disease conclusively. Therefore, this variant is classified as a Variant of Uncertain Significance.

Labcorp Genetics (formerly Invitae), Labcorp
Classification: Uncertain significance for Hereditary breast ovarian cancer syndrome. Last evaluated: 2022-09-06. Review status: criteria provided, single submitter. Criteria: Invitae Variant Classification Sherloc (09022015). Collection method: clinical testing. Allele origin: germline.
Comment: This sequence change replaces phenylalanine, which is neutral and non-polar, with serine, which is neutral and polar, at codon 3159 of the BRCA2 protein (p.Phe3159Ser). In summary, the available evidence is currently insufficient to determine the role of this variant in disease. Therefore, it has been classified as a Variant of Uncertain Significance. Advanced modeling of protein sequence and biophysical properties (such as structural, functional, and spatial information, amino acid conservation, physicochemical variation, residue mobility, and thermodynamic stability) performed at Invitae indicates that this missense variant is not expected to disrupt BRCA2 protein function. ClinVar contains an entry for this variant (Variation ID: 1171047). This variant has not been reported in the literature in individuals affected with BRCA2-related conditions. This variant is not present in population databases (gnomAD no frequency).

NM_000059.4(BRCA2):c.9476T>C (p.Phe3159Ser)

Gene: BRCA2 (BRCA2 DNA repair associated; plus strand). Cytogenetic location: 13q13.1.
Variant type: single nucleotide variant.
Coding change: c.9476T>C on transcript NM_000059.4 (MANE Select); coding-DNA position 9476, T replaced by C.
Protein change: p.Phe3159Ser; replaces phenylalanine 3159 with serine.
Molecular consequence: missense variant.
Genome position (GRCh38, 1-based): chr13:32,394,908, T>C. VCF-style: chr13-32394908-T-C. GRCh37 (hg19) VCF-style: chr13-32969045-T-C.
Other names: short protein forms F3159S.
Identifiers: ClinVar variation 1171047 (VCV001171047.9), dbSNP rs2073025259, ClinGen allele CA387761778.